The following is an entry in ClinVar:

ClinVar aggregate classification (germline): Pathogenic (1 of 4 stars; one submission).

Conditions:
Hypertrophic cardiomyopathy 26. Also called: Cardiomyopathy, familial hypertrophic, 26. Identifiers: Orphanet 75249, MedGen C4310749, MONDO:0014883, OMIM 617047.
Myofibrillar myopathy 5. Also called: Filaminopathy (type); FILAMINOPATHY, AUTOSOMAL DOMINANT. Identifiers: Orphanet 171445, MedGen C1836050, MONDO:0012289, OMIM 609524.
Distal myopathy with posterior leg and anterior hand involvement. Also called: WILLIAMS DISTAL MYOPATHY. Identifiers: Orphanet 63273, MedGen C3279722, MONDO:0013550, OMIM 614065.

Submission:

Labcorp Genetics (formerly Invitae), Labcorp
Classification: Pathogenic for Distal myopathy with posterior leg and anterior hand involvement; Myofibrillar myopathy 5; Hypertrophic cardiomyopathy 26. Last evaluated: 2025-02-05. Review status: criteria provided, single submitter. Criteria: Invitae Variant Classification Sherloc (09022015). Collection method: clinical testing. Allele origin: germline.
Comment: This sequence change creates a premature translational stop signal (p.Phe533Argfs*27) in the FLNC gene. It is expected to result in an absent or disrupted protein product. Loss-of-function variants in FLNC are known to be pathogenic (PMID: 27908349). This variant is not present in population databases (gnomAD no frequency). This variant has not been reported in the literature in individuals affected with FLNC-related conditions. ClinVar contains an entry for this variant (Variation ID: 2090044). For these reasons, this variant has been classified as Pathogenic.

Literature cited by the submitters: PubMed 27908349.

NM_001458.5(FLNC):c.1593_1600del (p.Phe533fs)

Gene: FLNC (filamin C; plus strand). Cytogenetic location: 7q32.1.
Variant type: Deletion.
Coding change: c.1593_1600del on transcript NM_001458.5 (MANE Select); coding-DNA positions 1593 to 1600, 8 bases deleted (TGTGTTCG; older notation c.1593_1600delTGTGTTCG).
Protein change: p.Phe533fs; shifts the reading frame from phenylalanine 533.
Molecular consequence: frameshift variant.
Genome position (GRCh38, 1-based): chr7:128,840,591-128,840,598, TGTGTTCG deleted; deleting any 8 consecutive bases within chr7:128,840,590-128,840,598 gives the same sequence; the c. name uses the placement nearest the transcript's 3' end. VCF-style (leftmost placement, unchanged base first): chr7-128840589-GGTGTGTTC-G. GRCh37 (hg19) VCF-style: chr7-128480643-GGTGTGTTC-G.
Other names: c.1593_1600del, p.Phe533fs (NM_001127487.2); short protein forms F533fs.
Identifiers: ClinVar variation 2090044 (VCV002090044.4), dbSNP rs2536626315, ClinGen allele CA2580076626.
Genomic context (GRCh38, chr7:128,840,589, plus strand): 5'-CCTGCCCCCATCTCCTCAGAGGGCACAGAGGAGCCAGTGAAGGTGCGGGAGGCTGGGGAT[GGTGTGTTC>G]GAGTGCGAGTACTACCCGGTGGTGCCTGGGAAGTATGTGGTGACCATCACGTGGGGCGGC-3'